The following is an entry in ClinVar:

NM_007194.4(CHEK2):c.623_626del (p.Asp208fs)

Gene: CHEK2 (checkpoint kinase 2; minus strand). Cytogenetic location: 22q12.1.
Variant type: Deletion.
Coding change: c.623_626del on transcript NM_007194.4 (MANE Select); coding-DNA positions 623 to 626, 4 bases deleted (ATCA; older notation c.623_626delATCA).
Protein change: p.Asp208fs; shifts the reading frame from aspartic acid 208.
Molecular consequence: frameshift variant. On other transcripts: 5 prime UTR variant (2), intron variant (1).
Genome position (GRCh38, 1-based): chr22:28,719,452-28,719,455, TGAT deleted on the plus strand (ATCA on the coding strand, the reverse complement: CHEK2 is on the minus strand). VCF-style (leftmost placement, unchanged base first): chr22-28719451-CTGAT-C. GRCh37 (hg19) VCF-style: chr22-29115439-CTGAT-C.
Other names: c.752_755del, p.Asp251fs (NM_001005735.3, NM_001438294.1); c.-41_-38del (NM_001257387.3, NM_001437942.1); c.716_719del, p.Asp239fs (NM_001438293.1, NM_001438295.1); c.623_626del, p.Asp208fs (NM_145862.3); c.482+5431_482+5434del (NM_001349956.3); short protein forms D208fs, D251fs, D239fs.
Identifiers: ClinVar variation 2573190 (VCV002573190.2), dbSNP rs2518009985, ClinGen allele CA2580615276.

ClinVar aggregate classification (germline): Pathogenic. Review status: criteria provided, multiple submitters, no conflicts (2 of 4 stars). 2 submissions from 2 submitters: Pathogenic (2). Last evaluated 2024-07-01.

Conditions:
Hereditary cancer-predisposing syndrome. Also called: Hereditary neoplastic syndrome; Hereditary Cancer Syndrome; Neoplastic Syndromes, Hereditary; Tumor predisposition. Identifiers: Orphanet 140162, MedGen C0027672, MeSH D009386, MONDO:0015356.
Familial cancer of breast. Also called: hereditary breast carcinoma; Hereditary breast cancer; BREAST CANCER, FAMILIAL. Identifiers: Orphanet 227535, MedGen C0346153, MONDO:0016419, OMIM 114480. Disease mechanism: loss of function.

Submissions (2):

Ambry Genetics
Classification: Pathogenic for Hereditary cancer-predisposing syndrome. Last evaluated: 2024-07-01. Review status: criteria provided, single submitter. Criteria: Ambry Variant Classification Scheme 2023. Collection method: clinical testing. Allele origin: germline.
Comment: The c.623_626delATCA pathogenic mutation, located in coding exon 4 of the CHEK2 gene, results from a deletion of 4 nucleotides at nucleotide positions 623 to 626, causing a translational frameshift with a predicted alternate stop codon (p.D208Gfs*8). This variant is considered to be rare based on population cohorts in the Genome Aggregation Database (gnomAD). This alteration is expected to result in loss of function by premature protein truncation or nonsense-mediated mRNA decay. As such, this alteration is interpreted as a disease-causing mutation.

KCCC/NGS Laboratory, Kuwait Cancer Control Center
Classification: Pathogenic for Familial cancer of breast. Last evaluated: 2023-07-07. Review status: criteria provided, single submitter. Criteria: ACMG Guidelines, 2015. Collection method: clinical testing. Allele origin: unknown. Affected: yes.
Comment: This sequence change results in deletion of 4 consecutive nucleotides and creates a premature translational stop signal 8 codons downstream (Asp208GlyfsTer8) in the CHEK2 gene. It is expected to result in an absent or disrupted protein product. This variant is not present in population databases gnomAD. This variant has not been reported in the literature in individuals with CHEK2-related conditions. ClinVar does not contain an entry for this variant. However, ClinVar contains two entries for a frameshift mutation involving codon 206 and 208 (Variation ID: 460846 and 483360). Loss-of-function variants in CHEK2 are known to be pathogenic (PMID: 21876083, 24713400). For these reasons, this variant has been classified as Pathogenic.